The following is an entry in ClinVar:

ClinVar aggregate classification (germline): Pathogenic/Likely pathogenic. Review status: criteria provided, multiple submitters, no conflicts (2 of 4 stars). 5 submissions from 5 submitters: Pathogenic (4); Likely pathogenic (1). Last evaluated 2025-09-10.

Conditions:
Retinal dystrophy. Also called: Inherited retinal dystrophy. Identifiers: Orphanet 71862, MedGen C0854723, MeSH D058499, MONDO:0019118, HP:0000556.
Febrile seizures, familial, 4 (FEB4). Also called: CONVULSIONS, FAMILIAL FEBRILE, 4. Identifiers: MedGen C1858493, MONDO:0011443, OMIM 604352.
ADGRV1-related disorder. Also called: ADGRV1-related disorders; ADGRV1-related condition.

Allele frequency attached by ClinVar (database versions not stated): TOPMed 0.00002; gnomAD 0.00003.
gnomAD v4.1: 15 of 1,613,294 alleles (0.00093%); highest among the groups gnomAD compares: African/African-American, 0.004%; no homozygotes.

Submissions (6):

Genomic Medicine Center of Excellence, King Faisal Specialist Hospital and Research Centre
Classification: Pathogenic for Febrile seizures, familial, 4. Last evaluated: 2025-09-10. Review status: criteria provided, single submitter. Criteria: ACMG Guidelines, 2015. Collection method: clinical testing. Allele origin: germline.

Labcorp Genetics (formerly Invitae), Labcorp
Classification: Pathogenic. Last evaluated: 2024-01-22. Review status: criteria provided, single submitter. Criteria: Invitae Variant Classification Sherloc (09022015). Collection method: clinical testing. Allele origin: germline.
Comment: This sequence change creates a premature translational stop signal (p.Arg5409*) in the ADGRV1 gene. It is expected to result in an absent or disrupted protein product. Loss-of-function variants in ADGRV1 are known to be pathogenic (PMID: 19357117, 22135276, 22147658, 26226137, 30718709, 31047384, 32467589). This variant is present in population databases (rs199806093, gnomAD 0.01%). This premature translational stop signal has been observed in individual(s) with Usher syndrome (PMID: 29625443). ClinVar contains an entry for this variant (Variation ID: 968315). For these reasons, this variant has been classified as Pathogenic.

GeneDx
Classification: Likely pathogenic. Last evaluated: 2022-04-04. Review status: criteria provided, single submitter. Criteria: GeneDx Variant Classification Process June 2021. Collection method: clinical testing. Allele origin: germline. Affected: yes.
Comment: Nonsense variant predicted to result in protein truncation or nonsense mediated decay in a gene for which loss of function is a known mechanism of disease; This variant is associated with the following publications: (PMID: 29625443)

Institute of Human Genetics, Univ. Regensburg, Univ. Regensburg
Classification: Pathogenic for Retinal dystrophy. Last evaluated: 2021-01-01. Review status: criteria provided, single submitter. Criteria: ACMG Guidelines, 2015. Collection method: clinical testing. Allele origin: germline. Affected: yes.

Blueprint Genetics
Classification: Pathogenic for ADGRV1-related disorders. Last evaluated: 2019-08-29. Review status: criteria provided, single submitter. Criteria: ACMG Guidelines, 2015. Collection method: clinical testing. Allele origin: germline. Affected: yes. Observed: 2 variant alleles.

Dr. Peter K. Rogan Lab, Western University
No classification provided (evidence only). Condition: Uterine corpus endometrial carcinoma. Review status: no classification provided. Collection method: in vitro. Allele origin: not applicable. Functional consequence: retained intron. Not counted in ClinVar's aggregate classification.

Literature cited by the submitters: PubMed 19357117 (cited by Labcorp Genetics (formerly Invitae), Labcorp); PubMed 22135276 (cited by Labcorp Genetics (formerly Invitae), Labcorp); PubMed 22147658 (cited by Labcorp Genetics (formerly Invitae), Labcorp); PubMed 26226137 (cited by Labcorp Genetics (formerly Invitae), Labcorp); PubMed 30718709 (cited by Labcorp Genetics (formerly Invitae), Labcorp); PubMed 31047384 (cited by Labcorp Genetics (formerly Invitae), Labcorp); PubMed 32467589 (cited by Labcorp Genetics (formerly Invitae), Labcorp); PubMed 29625443 (cited by Labcorp Genetics (formerly Invitae), Labcorp and Institute of Human Genetics, Univ. Regensburg, Univ. Regensburg); PubMed 3196484 (cited by Institute of Human Genetics, Univ. Regensburg, Univ. Regensburg).

NM_032119.4(ADGRV1):c.16225C>T (p.Arg5409Ter)

Gene: ADGRV1 (adhesion G protein-coupled receptor V1; plus strand). Cytogenetic location: 5q14.3.
Variant type: single nucleotide variant.
Coding change: c.16225C>T on transcript NM_032119.4 (MANE Select); coding-DNA position 16225, C replaced by T.
Protein change: p.Arg5409Ter; replaces arginine 5409 with a stop codon.
Molecular consequence: nonsense. On other transcripts: non-coding transcript variant (1).
Genome position (GRCh38, 1-based): chr5:90,823,453, C>T. VCF-style: chr5-90823453-C-T. GRCh37 (hg19) VCF-style: chr5-90119270-C-T.
Other names: short protein forms R5409*.
Identifiers: ClinVar variation 968315 (VCV000968315.11), dbSNP rs199806093, ClinGen allele CA3342088.
Genomic context (GRCh38, chr5:90,823,453, plus strand): 5'-TGTTAAGGCATTGGTGGGTTTCTTGCTCACAGGGCCTTTGAAGATGTCAAGGTCTTTTGG[C>T]GAGTCACACTTAACAAAACAGTCGTCGTGCTCCAGAAGGATGGGGTAAACCTGGTGGAGG-3'